The following is an entry in ClinVar:

ClinVar aggregate classification (germline): Uncertain significance. Review status: criteria provided, multiple submitters, no conflicts (2 of 4 stars). 2 submissions from 2 submitters: Uncertain significance (2). Last evaluated 2022-11-24.

Conditions:
Familial Mediterranean fever (FMF). Also called: Periodic peritonitis; Benign paroxysmal peritonitis; POLYSEROSITIS, FAMILIAL PAROXYSMAL; POLYSEROSITIS, RECURRENT. Identifiers: Orphanet 342, MedGen C0031069, MONDO:0018088, OMIM 249100. Disease mechanism: gain of function.

Submissions (2):

Blueprint Genetics
Classification: Uncertain significance. Last evaluated: 2022-11-24. Review status: criteria provided, single submitter. Criteria: ACMG Guidelines, 2015. Collection method: clinical testing. Allele origin: germline.

Labcorp Genetics (formerly Invitae), Labcorp
Classification: Uncertain significance for Familial Mediterranean fever. Last evaluated: 2022-10-28. Review status: criteria provided, single submitter. Criteria: Invitae Variant Classification Sherloc (09022015). Collection method: clinical testing. Allele origin: germline.
Comment: This variant is present in population databases (no rsID available, gnomAD 0.0009%). This sequence change replaces arginine, which is basic and polar, with tryptophan, which is neutral and slightly polar, at codon 461 of the MEFV protein (p.Arg461Trp). This variant has not been reported in the literature in individuals affected with MEFV-related conditions. In summary, the available evidence is currently insufficient to determine the role of this variant in disease. Therefore, it has been classified as a Variant of Uncertain Significance. Algorithms developed to predict the effect of missense changes on protein structure and function are either unavailable or do not agree on the potential impact of this missense change (SIFT: "Deleterious"; PolyPhen-2: "Probably Damaging"; Align-GVGD: "Class C0").

NM_000243.3(MEFV):c.1381C>T (p.Arg461Trp)

Gene: MEFV (MEFV innate immunity regulator, pyrin; minus strand). Cytogenetic location: 16p13.3.
Variant type: single nucleotide variant.
Coding change: c.1381C>T on transcript NM_000243.3 (MANE Select); coding-DNA position 1381, C replaced by T.
Protein change: p.Arg461Trp; replaces arginine 461 with tryptophan.
Molecular consequence: missense variant.
Genome position (GRCh38, 1-based): chr16:3,247,222, G>A on the plus strand (C>T on the coding strand, the complement: MEFV is on the minus strand). VCF-style: chr16-3247222-G-A. GRCh37 (hg19) VCF-style: chr16-3297222-G-A.
Other names: c.748C>T, p.Arg250Trp (NM_001198536.2); short protein forms R250W, R461W.
Identifiers: ClinVar variation 2072726 (VCV002072726.3), dbSNP rs1213998022, ClinGen allele CA394465031.